The following is an entry in ClinVar:

NM_006073.4(TRDN):c.1524G>A (p.Lys508=)

Gene: TRDN (triadin; minus strand). Cytogenetic location: 6q22.31.
Variant type: single nucleotide variant.
Coding change: c.1524G>A on transcript NM_006073.4 (MANE Select); coding-DNA position 1524, G replaced by A.
Protein change: p.Lys508=; no amino-acid change (lysine 508 retained).
Molecular consequence: synonymous variant.
Genome position (GRCh38, 1-based): chr6:123,279,069, C>T on the plus strand (G>A on the coding strand, the complement: TRDN is on the minus strand). VCF-style: chr6-123279069-C-T. GRCh37 (hg19) VCF-style: chr6-123600214-C-T.
Identifiers: ClinVar variation 389886 (VCV000389886.1), dbSNP rs373408793, ClinGen allele CA3983891.

ClinVar aggregate classification (germline): Likely benign (1 of 4 stars; one submission).

Allele frequency attached by ClinVar (database versions not stated): gnomAD exomes 0.00001; TOPMed below 0.00001; ExAC 0.00001; gnomAD 0.00001; ESP Exome Variant Server 0.00008.

Submission:

GeneDx
Classification: Likely benign. Last evaluated: 2016-10-12. Review status: criteria provided, single submitter. Criteria: GeneDx Variant Classification (06012015). Collection method: clinical testing. Allele origin: germline. Affected: yes.
Comment: This variant is considered likely benign or benign based on one or more of the following criteria: it is a conservative change, it occurs at a poorly conserved position in the protein, it is predicted to be benign by multiple in silico algorithms, and/or has population frequency not consistent with disease.